The following is an entry in ClinVar:

ClinVar aggregate classification (germline): Uncertain significance (1 of 4 stars; one submission).

Submission:

Ambry Genetics
Classification: Uncertain significance. Last evaluated: 2025-05-10. Review status: criteria provided, single submitter. Criteria: Ambry Variant Classification Scheme 2023. Collection method: clinical testing. Allele origin: germline.
Comment: The p.R703K variant (also known as c.2108G>A), located in coding exon 12 of the ATRIP gene, results from a G to A substitution at nucleotide position 2108. The arginine at codon 703 is replaced by lysine, an amino acid with highly similar properties. This amino acid position is conserved. In addition, this alteration is predicted to be tolerated by in silico analysis. Based on the available evidence, the clinical significance of this variant remains unclear.

NM_130384.3(ATRIP):c.2108G>A (p.Arg703Lys)

Genes: ATRIP (ATR interacting protein; plus strand), ATRIP-TREX1 (ATRIP-TREX1 readthrough; plus strand). Cytogenetic location: 3p21.31.
Variant type: single nucleotide variant.
Coding change: c.2108G>A on transcript NM_130384.3 (MANE Select); coding-DNA position 2108, G replaced by A.
Protein change: p.Arg703Lys; replaces arginine 703 with lysine.
Molecular consequence: missense variant. On other transcripts: non-coding transcript variant (1).
Genome position (GRCh38, 1-based): chr3:48,464,883, G>A. VCF-style: chr3-48464883-G-A. GRCh37 (hg19) VCF-style: chr3-48506282-G-A.
Other names: c.1727G>A, p.Arg576Lys (NM_001271022.2); c.1829G>A, p.Arg610Lys (NM_001271023.2); c.2027G>A, p.Arg676Lys (NM_032166.4); short protein forms R576K, R676K, R703K, R610K.
Identifiers: ClinVar variation 3976531 (VCV003976531.1).
Genomic context (GRCh38, chr3:48,464,883, plus strand): 5'-TCTCTCAGGTGGTCAGAGCGCTCACGGTGATGTTGCACAGACAGTGGCTGACAGTGCGGA[G>A]GGCAGGGGGACCCCCAAGGACCGACCAGCAGAGGCGGACAGTGCGCTGTCTGCGGGACAC-3'
Protein context (NP_569055.1, residues 693-713): MLHRQWLTVR[Arg703Lys]AGGPPRTDQQ